The following is an entry in ClinVar:

NM_012463.4(ATP6V0A2):c.78dup (p.Ser27fs)

Genes: ATP6V0A2 (ATPase H+ transporting V0 subunit a2; plus strand), LOC130009117 (ATAC-STARR-seq lymphoblastoid silent region 5049; plus strand). Cytogenetic location: 12q24.31.
Variant type: Duplication.
Coding change: c.78dup on transcript NM_012463.4 (MANE Select); coding-DNA position 78, one base duplicated (C; older notation c.78dupC).
Protein change: p.Ser27fs; shifts the reading frame from serine 27.
Molecular consequence: frameshift variant.
Genome position (GRCh38, 1-based): chr12:123,712,643, C duplicated. VCF-style (leftmost placement, unchanged base first): chr12-123712642-T-TC. GRCh37 (hg19) VCF-style: chr12-124197189-T-TC.
Other names: c.78dup (NM_012463.3); c.78dupC (NM_012463.3); short protein forms S27fs.
Identifiers: ClinVar variation 286400 (VCV000286400.18), dbSNP rs745590426, ClinGen allele CA6861465.

ClinVar aggregate classification (germline): Pathogenic/Likely pathogenic. Review status: criteria provided, multiple submitters, no conflicts (2 of 4 stars). 6 submissions from 6 submitters: Pathogenic (4); Likely pathogenic (2). Last evaluated 2025-07-16.

Conditions:
ATP6V0A2-related disorder. Also called: ATP6V0A2-related condition.
Cutis laxa with osteodystrophy (ARCL2A). Also called: Debré-Type Cutis Laxa; CUTIS LAXA WITH BONE DYSTROPHY; CUTIS LAXA WITH GROWTH AND DEVELOPMENTAL DELAY; CUTIS LAXA WITH JOINT LAXITY AND RETARDED DEVELOPMENT; CUTIS LAXA WITH CONGENITAL DISORDER OF GLYCOSYLATION; Autosomal recessive cutis laxa type 2A. Identifiers: Orphanet 357058, MedGen C0268355, MONDO:0018163, OMIM 219200. Disease mechanism: loss of function.
Wrinkly skin syndrome (WSS). Also called: Type of Gerodermia osteodysplastica. Identifiers: Orphanet 2834, MedGen C0406587, MONDO:0010208, OMIM 278250.
ALG9 congenital disorder of glycosylation (CDG1L). Also called: ALG9-CDG; CDG Il; CONGENITAL DISORDER OF GLYCOSYLATION, TYPE Il. Identifiers: Orphanet 79328, MedGen C2931006, MONDO:0012117, OMIM 608776.
Cutis laxa. Identifiers: Orphanet 209, MedGen C0010495, MONDO:0016175, HP:0000973.

Allele frequency attached by ClinVar (database versions not stated): gnomAD exomes 0.00002; ExAC 0.00004; gnomAD 0.00004; TOPMed 0.00004; ESP Exome Variant Server 0.00016.

Submissions (6):

Labcorp Genetics (formerly Invitae), Labcorp
Classification: Pathogenic for ALG9 congenital disorder of glycosylation. Last evaluated: 2025-07-16. Review status: criteria provided, single submitter. Criteria: Invitae Variant Classification Sherloc (09022015). Collection method: clinical testing. Allele origin: germline.
Comment: This sequence change creates a premature translational stop signal (p.Ser27Glnfs*28) in the ATP6V0A2 gene. It is expected to result in an absent or disrupted protein product. Loss-of-function variants in ATP6V0A2 are known to be pathogenic (PMID: 18157129, 19321599). This variant is present in population databases (rs745590426, gnomAD 0.009%). This premature translational stop signal has been observed in individual(s) with autosomal recessive cutis laxa type 2 (PMID: 19321599). ClinVar contains an entry for this variant (Variation ID: 286400). For these reasons, this variant has been classified as Pathogenic.

GeneDx
Classification: Pathogenic. Last evaluated: 2025-02-11. Review status: criteria provided, single submitter. Criteria: GeneDx Variant Classification Process June 2021. Collection method: clinical testing. Allele origin: germline. Affected: yes.
Comment: Reported previously using alternate nomenclature, c.78_79insC, in an individual with cutis laxa and inguinal hernia who also harbored a ATP6V0A2 missense variant; however, parental studies were not performed to determine the phase of these two variants (PMID: 19321599); Frameshift variant predicted to result in protein truncation or nonsense mediated decay in a gene for which loss of function is a known mechanism of disease; Not observed at significant frequency in large population cohorts (gnomAD); This variant is associated with the following publications: (PMID: 19321599)

Blueprint Genetics
Classification: Likely pathogenic for ATP6V0A2-related disorders. Last evaluated: 2024-05-15. Review status: criteria provided, single submitter. Criteria: ACMG Guidelines, 2015. Collection method: clinical testing. Allele origin: germline. Affected: yes. Observed: 4 variant alleles.

Fulgent Genetics
Classification: Pathogenic for Cutis laxa with osteodystrophy; Wrinkly skin syndrome. Last evaluated: 2024-04-16. Review status: criteria provided, single submitter. Criteria: ACMG Guidelines, 2015. Collection method: clinical testing. Allele origin: germline.

Women's Health and Genetics/Laboratory Corporation of America, LabCorp
Classification: Likely pathogenic for Cutis laxa. Last evaluated: 2022-05-13. Review status: criteria provided, single submitter. Criteria: LabCorp Variant Classification Summary - May 2015. Collection method: clinical testing. Allele origin: germline.
Comment: Variant summary: ATP6V0A2 c.78dupC (p.Ser27GlnfsX28) results in a premature termination codon, predicted to cause a truncation of the encoded protein or absence of the protein due to nonsense mediated decay, which are commonly known mechanisms for disease. Truncations downstream of this position have been classified as pathogenic by our laboratory. The variant allele was found at a frequency of 2.1e-05 in 235348 control chromosomes. c.78dupC has been reported in the literature as c.78_79insC in a compound heterozygous genotype with a reportedly hypomorphic allele (c.260C>T, p.P87L) in at-least one individual with Cutis Laxa - ATP6V0A2 Related, who presented with mild systemic involvement (example, Hutchadowder_2009). To our knowledge, no experimental evidence demonstrating an impact on protein function has been reported. Three clinical diagnostic laboratories have submitted clinical-significance assessments for this variant to ClinVar after 2014 without evidence for independent evaluation. All laboratories classified the variant as pathogenic with some citing overlapping evidence utilized in the context of this evaluation. Based on the evidence outlined above, the variant was classified as likely pathogenic.

Eurofins Ntd Llc (ga)
Classification: Pathogenic. Last evaluated: 2016-02-23. Review status: criteria provided, single submitter. Criteria: EGL Classification Definitions. Collection method: clinical testing. Allele origin: germline.

Literature cited by the submitters: PubMed 18157129 (cited by Labcorp Genetics (formerly Invitae), Labcorp); PubMed 19321599 (cited by Labcorp Genetics (formerly Invitae), Labcorp and Women's Health and Genetics/Laboratory Corporation of America, LabCorp).